The following is an entry in ClinVar:

NM_178510.2(ANKK1):c.715G>A (p.Ala239Thr)

Gene: ANKK1 (ankyrin repeat and kinase domain containing 1; plus strand). Cytogenetic location: 11q23.2.
Variant type: single nucleotide variant.
Coding change: c.715G>A on transcript NM_178510.2 (MANE Select); coding-DNA position 715, G replaced by A.
Protein change: p.Ala239Thr; replaces alanine 239 with threonine.
Molecular consequence: missense variant.
Genome position (GRCh38, 1-based): chr11:113,396,099, G>A. VCF-style: chr11-113396099-G-A. GRCh37 (hg19) VCF-style: chr11-113266821-G-A.
Other names: short protein forms A239T.
Identifiers: ClinVar variation 3060698 (VCV003060698.2), dbSNP rs7118900, ClinGen allele CA6280727.

ClinVar aggregate classification (germline): Benign (0 of 4 stars; one submission).

Conditions:
ANKK1-related disorder. Also called: ANKK1-related condition.

Allele frequency attached by ClinVar (database versions not stated): gnomAD exomes 0.20811; ESP Exome Variant Server 0.22305; ExAC 0.24597; gnomAD 0.24745; TOPMed 0.26239; 1000 Genomes Project 30x 0.31918; 1000 Genomes Project 0.32049.

Submission:

PreventionGenetics, part of Exact Sciences
Classification: Benign for ANKK1-related condition. Last evaluated: 2019-10-21. Review status: no assertion criteria provided. Collection method: clinical testing. Allele origin: germline.
Comment: This variant is classified as benign based on ACMG/AMP sequence variant interpretation guidelines (Richards et al. 2015 PMID: 25741868, with internal and published modifications).